The following is an entry in ClinVar:

ClinVar aggregate classification (germline): Conflicting classifications of pathogenicity. Review status: criteria provided, conflicting classifications (1 of 4 stars). 3 submissions from 3 submitters: Uncertain significance (1); Likely benign (2). Last evaluated 2026-09-01.

Conditions:
Spinocerebellar ataxia 42, early-onset, severe, with neurodevelopmental deficits. Identifiers: MedGen C4748120, MONDO:0060758, OMIM 618087.

Submissions (3):

CeGaT Center for Human Genetics Tuebingen
Classification: Likely benign. Last evaluated: 2026-09-01. Review status: criteria provided, single submitter. Criteria: CeGaT Center For Human Genetics Tuebingen Variant Classification Criteria Version 2. Collection method: clinical testing. Allele origin: germline. Affected: yes. Observed: 2 variant alleles.
Comment: CACNA1G: PM4, BS2

Labcorp Genetics (formerly Invitae), Labcorp
Classification: Uncertain significance. Last evaluated: 2025-03-06. Review status: criteria provided, single submitter. Criteria: Invitae Variant Classification Sherloc (09022015). Collection method: clinical testing. Allele origin: germline.
Comment: This variant, c.5704_5712del, results in the deletion of 3 amino acid(s) of the CACNA1G protein (p.Asp1902_Pro1904del), but otherwise preserves the integrity of the reading frame. This variant is present in population databases (rs751210873, gnomAD 0.05%), and has an allele count higher than expected for a pathogenic variant. This variant has not been reported in the literature in individuals affected with CACNA1G-related conditions. ClinVar contains an entry for this variant (Variation ID: 871464). Experimental studies and prediction algorithms are not available or were not evaluated, and the functional significance of this variant is currently unknown. In summary, the available evidence is currently insufficient to determine the role of this variant in disease. Therefore, it has been classified as a Variant of Uncertain Significance.

Institute of Human Genetics, University of Leipzig Medical Center
Classification: Likely benign for Spinocerebellar ataxia 42, early-onset, severe, with neurodevelopmental deficits. Last evaluated: 2019-01-01. Review status: criteria provided, single submitter. Criteria: ACMG Guidelines, 2015. Collection method: clinical testing. Allele origin: unknown. Affected: yes.

NM_018896.5(CACNA1G):c.5695GACAGCCCC[1] (p.1899DSP[1])

Gene: CACNA1G (calcium voltage-gated channel subunit alpha1 G; plus strand). Cytogenetic location: 17q21.33.
Variant type: Microsatellite.
Coding change: c.5695GACAGCCCC[1] on transcript NM_018896.5 (MANE Select); one copy of the 9-base unit GACAGCCCC starting at c.5695; the reference has two copies in a row; one copy, 9 bases deleted.
Protein change: p.1899DSP[1].
Molecular consequence: inframe deletion. On other transcripts: non-coding transcript variant (5).
Genome position (GRCh38, 1-based): chr17:50,618,931-50,618,939, GACAGCCCC deleted; deleting any 9 consecutive bases within chr17:50,618,917-50,618,939 gives the same sequence; the position shown is the placement nearest the transcript's 3' end. VCF-style (leftmost placement, unchanged base first): chr17-50618916-GGCCCCGACA-G. GRCh37 (hg19) VCF-style: chr17-48696277-GGCCCCGACA-G.
Other names: c.5593GACAGCCCC[1], p.1865DSP[1] (NM_198379.3, NM_198387.3, NM_198396.3 and 2 more transcripts); c.5662GACAGCCCC[1], p.1888DSP[1] (NM_198380.3, NM_001256334.2, NM_198377.3 and 1 more transcripts); c.5626GACAGCCCC[1], p.1876DSP[1] (NM_198382.3, NM_198383.3); c.5695GACAGCCCC[1], p.1899DSP[1] (NM_198384.3, NM_198385.3, NM_001256333.2); c.5641GACAGCCCC[1], p.1881DSP[1] (NM_198386.3, NM_001256324.2); c.5572GACAGCCCC[1], p.1858DSP[1] (NM_198388.3); c.5716GACAGCCCC[1], p.1906DSP[1] (NM_001256325.2); c.5560GACAGCCCC[1], p.1854DSP[1] (NM_001256326.2, NM_001256330.2); and 7 more.
Identifiers: ClinVar variation 871464 (VCV000871464.44), dbSNP rs751210873, ClinGen allele CA8653445.